The following is an entry in ClinVar:

ClinVar aggregate classification (germline): Uncertain significance. Review status: criteria provided, single submitter (1 of 4 stars). 2 submissions from 2 submitters: Uncertain significance (1). 1 of the submissions does not count toward it. Last evaluated 2021-08-31.

Conditions:
Classic homocystinuria. Also called: Homocystinuria due to Cystathionine Beta-Synthase Deficiency; Homocystinuria due to CBS deficiency; Cystathionine beta-synthase deficiency; CBS deficiency; HOMOCYSTINURIA WITH OR WITHOUT RESPONSE TO PYRIDOXINE. Identifiers: Orphanet 394, MedGen C0751202, MONDO:0009352, OMIM 236200.
HYPERHOMOCYSTEINEMIA, THROMBOTIC, CBS-RELATED. Identifiers: MedGen C3150344, OMIM 236200.

Submissions (2):

Labcorp Genetics (formerly Invitae), Labcorp
Classification: Uncertain significance for HYPERHOMOCYSTEINEMIA, THROMBOTIC, CBS-RELATED. Last evaluated: 2021-08-31. Review status: criteria provided, single submitter. Criteria: Invitae Variant Classification Sherloc (09022015). Collection method: clinical testing. Allele origin: germline.
Comment: This variant, c.1210_1212del, results in the deletion of 1 amino acid(s) of the CBS protein (p.Glu404del), but otherwise preserves the integrity of the reading frame. This variant is not present in population databases (ExAC no frequency). This variant has not been reported in the literature in individuals affected with CBS-related conditions. ClinVar contains an entry for this variant (Variation ID: 557273). Experimental studies and prediction algorithms are not available or were not evaluated, and the functional significance of this variant is currently unknown. In summary, the available evidence is currently insufficient to determine the role of this variant in disease. Therefore, it has been classified as a Variant of Uncertain Significance.

Counsyl
Classification: Uncertain significance for Classic homocystinuria. Last evaluated: 2018-03-14. Review status: no assertion criteria provided. Collection method: clinical testing. Allele origin: unknown. Not counted in ClinVar's aggregate classification.

NM_000071.3(CBS):c.1210_1212del (p.Glu404del)

Gene: CBS (cystathionine beta-synthase; minus strand). Cytogenetic location: 21q22.3.
Variant type: Deletion.
Coding change: c.1210_1212del on transcript NM_000071.3 (MANE Select); coding-DNA positions 1210 to 1212, 3 bases deleted (GAG; older notation c.1210_1212delGAG).
Protein change: p.Glu404del; deletes glutamic acid 404.
Molecular consequence: inframe deletion.
Genome position (GRCh38, 1-based): chr21:43,059,237-43,059,239, CTC deleted on the plus strand (GAG on the coding strand, the reverse complement: CBS is on the minus strand); deleting any 3 consecutive bases within chr21:43,059,237-43,059,240 gives the same sequence; the c. name uses the placement nearest the transcript's 3' end. VCF-style (leftmost placement, unchanged base first): chr21-43059236-TCTC-T. GRCh37 (hg19) VCF-style: chr21-44479346-TCTC-T.
Other names: c.1210_1212del, p.Glu404del (NM_001178008.3, NM_001178009.3, NM_001320298.2); c.895_897del, p.Glu299del (NM_001321072.1); c.1210_1212delGAG (NM_000071.2); short protein forms E404del, E299del.
Identifiers: ClinVar variation 557273 (VCV000557273.7), dbSNP rs1555872822, ClinGen allele CA658824060.
Genomic context (GRCh38, chr21:43,059,236, plus strand): 5'-CACTGGGCAGGGCCAGCACAGGCAGCGGGTCTCCGGCCGAGCGGTCTTACCAGGGCTTCT[TCTC>T]CGTGAGGTCCTCCTCCTTCAGAAAGCCCTTCTGCAGCATCCACCTGTCGCTCAGGAACTT-3'